The following is an entry in ClinVar:

ClinVar aggregate classification (germline): Likely benign (1 of 4 stars; one submission).

Conditions:
Intellectual developmental disorder, autosomal dominant 66. Also called: MENTAL RETARDATION, AUTOSOMAL DOMINANT 66. Identifiers: MedGen C5677000, MONDO:0030891, OMIM 619910.

gnomAD v4.1: 17 of 1,598,506 alleles (0.0011%); highest among the groups gnomAD compares: Non-Finnish European, 0.0014%; no homozygotes.

Submission:

Victorian Clinical Genetics Services, Murdoch Childrens Research Institute
Classification: Likely benign for Intellectual developmental disorder, autosomal dominant 66. Last evaluated: 2025-01-06. Review status: criteria provided, single submitter. Criteria: ACMG Guidelines, 2015. Collection method: clinical testing. Allele origin: germline. Affected: yes.
Comment: This variant is classified as Likely benign. Evidence in support of pathogenic classification: Variant is present in gnomAD <0.001 for a dominant condition (v4: 17 heterozygote(s), 0 homozygote(s)) ; Missense variant predicted to be damaging by in silico tool(s) or highly conserved with a major amino acid change. Additional information: Variant is predicted to result in a missense amino acid change from glycine to aspartic acid; This variant is heterozygous; This gene is associated with autosomal dominant disease; Alternative amino acid change(s) at the same position are present in gnomAD (Highest alelle count: v4: 1 heterozygote(s), 0 homozygote(s)) ; This variant has no previous evidence of pathogenicity; No published segregation evidence has been identified for this variant; No published functional evidence has been identified for this variant; No comparable missense variants have previous evidence for pathogenicity; Variant is not located in an established domain, motif, hotspot or informative constraint region; Loss of function is a known mechanism of disease in this gene and is associated with intellectual developmental disorder, autosomal dominant 66 (MIM#619910). NMD-predicted variants have been reported and while loss of function has been demonstrated for missense variants, dominant negative has not been excluded (PMID: 35358416).

Literature cited by the submitters: PubMed 35358416.

NM_001366521.1(ATP2B1):c.983G>A (p.Gly328Asp)

Gene: ATP2B1 (ATPase plasma membrane Ca2+ transporting 1; minus strand). Cytogenetic location: 12q21.33.
Variant type: single nucleotide variant.
Coding change: c.983G>A on transcript NM_001366521.1 (MANE Select); coding-DNA position 983, G replaced by A.
Protein change: p.Gly328Asp; replaces glycine 328 with aspartic acid.
Molecular consequence: missense variant. On other transcripts: non-coding transcript variant (3).
Genome position (GRCh38, 1-based): chr12:89,626,600, C>T on the plus strand (G>A on the coding strand, the complement: ATP2B1 is on the minus strand). VCF-style: chr12-89626600-C-T. GRCh37 (hg19) VCF-style: chr12-90020377-C-T.
Other names: c.983G>A, p.Gly328Asp (NM_001366523.1, NM_001366524.1, NM_001366525.1 and 13 more transcripts); c.785G>A, p.Gly262Asp (NM_001366530.1, NM_001413053.1); c.422G>A, p.Gly141Asp (NM_001366531.1, NM_001366532.1, NM_001413058.1 and 2 more transcripts); c.944G>A, p.Gly315Asp (NM_001413048.1); c.842G>A, p.Gly281Asp (NM_001413051.1, NM_001413052.1, NM_001413055.1); c.728G>A, p.Gly243Asp (NM_001413056.1); c.530G>A, p.Gly177Asp (NM_001413057.1); short protein forms G141D, G177D, G243D, G262D, G281D, G315D, G328D.
Identifiers: ClinVar variation 3376625 (VCV003376625.3).
Genomic context (GRCh38, chr12:89,626,600, plus strand): 5'-TCTTTTTCATCACCATCTCCACCTTCTTCACTCTTCAATGGCTGCATTTCCATGGCTGCA[C>T]CATCCTGGGCTTTTGCTACATTTAAGAGCAAATAGAACTTCACTATACTTTAAAGGCACA-3'
Protein context (NP_001353450.1, residues 318-338): ENRNKAKAQD[Gly328Asp]AAMEMQPLKS